The following is an entry in ClinVar:

ClinVar aggregate classification (germline): Uncertain significance (1 of 4 stars; one submission).

Submission:

GeneDx
Classification: Uncertain significance. Last evaluated: 2019-07-20. Review status: criteria provided, single submitter. Criteria: GeneDx Variant Classification Process June 2021. Collection method: clinical testing. Allele origin: germline. Affected: yes.
Comment: Has not been previously published as pathogenic or benign to our knowledge; Not observed in large population cohorts (Lek et al., 2016); In-silico analysis, which includes splice predictors and evolutionary conservation, is inconclusive as to whether the variant alters gene splicing. In the absence of RNA/functional studies, the actual effect of this sequence change is unknown.

NM_001020658.2(PUM1):c.1506G>A (p.Gln502=)

Gene: PUM1 (pumilio RNA binding family member 1; minus strand). Cytogenetic location: 1p35.2.
Variant type: single nucleotide variant.
Coding change: c.1506G>A on transcript NM_001020658.2 (MANE Select); coding-DNA position 1506, G replaced by A.
Protein change: p.Gln502=; no amino-acid change (glutamine 502 retained).
Molecular consequence: synonymous variant.
Genome position (GRCh38, 1-based): chr1:30,974,651, C>T on the plus strand (G>A on the coding strand, the complement: PUM1 is on the minus strand). VCF-style: chr1-30974651-C-T. GRCh37 (hg19) VCF-style: chr1-31447498-C-T.
Other names: c.1506G>A, p.Gln502= (NM_014676.3).
Identifiers: ClinVar variation 1306878 (VCV001306878.2), dbSNP rs2124458690, ClinGen allele CA416899299.